The following is an entry in ClinVar:

NM_012472.6(DNAAF11):c.122A>G (p.Lys41Arg)

Gene: DNAAF11 (dynein axonemal assembly factor 11; minus strand). Cytogenetic location: 8q24.22.
Variant type: single nucleotide variant.
Coding change: c.122A>G on transcript NM_012472.6 (MANE Select); coding-DNA position 122, A replaced by G.
Protein change: p.Lys41Arg; replaces lysine 41 with arginine.
Molecular consequence: missense variant. On other transcripts: 5 prime UTR variant (4), non-coding transcript variant (7), intron variant (1).
Genome position (GRCh38, 1-based): chr8:132,661,516, T>C on the plus strand (A>G on the coding strand, the complement: DNAAF11 is on the minus strand). VCF-style: chr8-132661516-T-C. GRCh37 (hg19) VCF-style: chr8-133673762-T-C.
Other names: c.122A>G, p.Lys41Arg (NM_001321961.2); c.-239A>G (NM_001321963.2, NM_001321964.2, NM_001321966.2); c.-552A>G (NM_001321965.2); c.10+13968A>G (NM_001321962.2); c.122A>G (NM_012472.3); short protein forms K41R.
Identifiers: ClinVar variation 1681047 (VCV001681047.4), dbSNP rs182327254, ClinGen allele CA4881465.

ClinVar aggregate classification (germline): Uncertain significance. Review status: criteria provided, multiple submitters, no conflicts (2 of 4 stars). 2 submissions from 2 submitters: Uncertain significance (2). Last evaluated 2025-02-25.

Conditions:
Primary ciliary dyskinesia. Also called: Ciliary dyskinesia. Identifiers: Orphanet 244, MedGen C0008780, MONDO:0016575, HP:0012265.
Primary ciliary dyskinesia 19. Also called: CILIARY DYSKINESIA, PRIMARY, 19, WITH OR WITHOUT SITUS INVERSUS. Identifiers: Orphanet 244, MedGen C3543826, MONDO:0013979, OMIM 614935.

Allele frequency attached by ClinVar (database versions not stated): gnomAD exomes below 0.00001 and 0.00001; ExAC 0.00001; gnomAD 0.00001 and 0.00002; TOPMed 0.00003; 1000 Genomes Project 30x 0.00016; 1000 Genomes Project 0.00020.
gnomAD v4.1: 16 of 1,613,644 alleles (0.00099%); highest among the groups gnomAD compares: African/African-American, 0.011%; no homozygotes.

Submissions (2):

Ambry Genetics
Classification: Uncertain significance for Primary ciliary dyskinesia. Last evaluated: 2025-02-25. Review status: criteria provided, single submitter. Criteria: Ambry Variant Classification Scheme 2023. Collection method: clinical testing. Allele origin: germline.

Labcorp Genetics (formerly Invitae), Labcorp
Classification: Uncertain significance for Primary ciliary dyskinesia 19. Last evaluated: 2022-03-08. Review status: criteria provided, single submitter. Criteria: Invitae Variant Classification Sherloc (09022015). Collection method: clinical testing. Allele origin: germline.
Comment: This sequence change replaces lysine, which is basic and polar, with arginine, which is basic and polar, at codon 41 of the LRRC6 protein (p.Lys41Arg). This variant is present in population databases (rs182327254, gnomAD 0.007%). This variant has not been reported in the literature in individuals affected with LRRC6-related conditions. Algorithms developed to predict the effect of missense changes on protein structure and function output the following: SIFT: "Tolerated"; PolyPhen-2: "Benign"; Align-GVGD: "Class C0". The arginine amino acid residue is found in multiple mammalian species, which suggests that this missense change does not adversely affect protein function. In summary, the available evidence is currently insufficient to determine the role of this variant in disease. Therefore, it has been classified as a Variant of Uncertain Significance.